The following is an entry in ClinVar:

NM_000812.4(GABRB1):c.1157G>A (p.Ser386Asn)

Gene: GABRB1 (gamma-aminobutyric acid type A receptor subunit beta1; plus strand). Cytogenetic location: 4p12.
Variant type: single nucleotide variant.
Coding change: c.1157G>A on transcript NM_000812.4 (MANE Select); coding-DNA position 1157, G replaced by A.
Protein change: p.Ser386Asn; replaces serine 386 with asparagine.
Molecular consequence: missense variant.
Genome position (GRCh38, 1-based): chr4:47,425,750, G>A. VCF-style: chr4-47425750-G-A. GRCh37 (hg19) VCF-style: chr4-47427767-G-A.
Other names: short protein forms S386N.
Identifiers: ClinVar variation 2805990 (VCV002805990.3), dbSNP rs2475515639, ClinGen allele CA356767131.

ClinVar aggregate classification (germline): Uncertain significance (1 of 4 stars; one submission).

Allele frequency attached by ClinVar (database versions not stated): gnomAD exomes below 0.00001.
gnomAD v4.1: 1 of 1,614,194 alleles (0.000062%); highest among the groups gnomAD compares: Admixed American, 0.0017%; no homozygotes.

Submission:

Labcorp Genetics (formerly Invitae), Labcorp
Classification: Uncertain significance. Last evaluated: 2023-01-19. Review status: criteria provided, single submitter. Criteria: Invitae Variant Classification Sherloc (09022015). Collection method: clinical testing. Allele origin: germline.
Comment: This variant is not present in population databases (gnomAD no frequency). In summary, the available evidence is currently insufficient to determine the role of this variant in disease. Therefore, it has been classified as a Variant of Uncertain Significance. Advanced modeling of protein sequence and biophysical properties (such as structural, functional, and spatial information, amino acid conservation, physicochemical variation, residue mobility, and thermodynamic stability) performed at Invitae indicates that this missense variant is not expected to disrupt GABRB1 protein function. This variant has not been reported in the literature in individuals affected with GABRB1-related conditions. This sequence change replaces serine, which is neutral and polar, with asparagine, which is neutral and polar, at codon 386 of the GABRB1 protein (p.Ser386Asn).